The following is an entry in ClinVar:

NM_001348716.2(KDM6B):c.4162C>A (p.Pro1388Thr)

Genes: KDM6B (lysine demethylase 6B; plus strand), LOC121587574 (Sharpr-MPRA regulatory region 3930; plus strand). Cytogenetic location: 17p13.1.
Variant type: single nucleotide variant.
Coding change: c.4162C>A on transcript NM_001348716.2 (MANE Select); coding-DNA position 4162, C replaced by A.
Protein change: p.Pro1388Thr; replaces proline 1388 with threonine.
Molecular consequence: missense variant.
Genome position (GRCh38, 1-based): chr17:7,851,793, C>A. VCF-style: chr17-7851793-C-A. GRCh37 (hg19) VCF-style: chr17-7755111-C-A.
Other names: c.4162C>A, p.Pro1388Thr (NM_001080424.2); short protein forms P1388T.
Identifiers: ClinVar variation 4883350 (VCV004883350.2).

ClinVar aggregate classification (germline): Uncertain significance (1 of 4 stars; one submission).

Conditions:
KDM6B-related intellectual developmental disorder.

Submission:

Dasa
Classification: Uncertain significance for KDM6B-related intellectual developmental disorder. Last evaluated: 2026-04-11. Review status: criteria provided, single submitter. Criteria: DASA Assertion Criteria. Collection method: clinical testing. Allele origin: germline.
Comment: NM_001348716.2(KDM6B):c.4162C>A (p.Pro1388Thr) is a missense variant that results in the substitution of proline with threonine. The affected residue or protein region has prior evidence supporting clinical relevance. This variant is absent from population databases. Computational prediction algorithms are consistent with a deleterious effect. The currently available literature and clinical evidence are not sufficient to establish a definitive association between this variant and the reported condition. Therefore, this variant is classified as a variant of uncertain significance.